The following is an entry in ClinVar:

NM_001242896.3(DEPDC5):c.147-14_147-7del

Gene: DEPDC5 (DEP domain containing 5, GATOR1 subcomplex subunit; plus strand). Cytogenetic location: 22q12.2.
Variant type: Deletion.
Coding change: c.147-14_147-7del on transcript NM_001242896.3 (MANE Select); 14 bases into the intron before coding-DNA position 147 through 7 bases into the intron before coding-DNA position 147, 8 bases deleted (GCTTTCTT; older notation c.147-14_147-7delGCTTTCTT).
Molecular consequence: intron variant.
Genome position (GRCh38, 1-based): chr22:31,760,642-31,760,649, GCTTTCTT deleted; deleting any 8 consecutive bases within chr22:31,760,640-31,760,649 gives the same sequence; the c. name uses the placement nearest the transcript's 3' end. VCF-style (leftmost placement, unchanged base first): chr22-31760639-GTTGCTTTC-G. GRCh37 (hg19) VCF-style: chr22-32156625-GTTGCTTTC-G.
Other names: c.147-14_147-7del (NM_001364318.2, NM_001136029.4, NM_014662.6 and 9 more transcripts).
Identifiers: ClinVar variation 4854092 (VCV004854092.1).

ClinVar aggregate classification (germline): Uncertain significance (1 of 4 stars; one submission).

Conditions:
Epilepsy, familial focal, with variable foci 1 (FFEVF1). Also called: DEPDC5-Related Epilepsy. Identifiers: MedGen C4551983, MONDO:0024556, OMIM 604364.

Submission:

3billion
Classification: Uncertain significance for Epilepsy, familial focal, with variable foci 1. Last evaluated: 2026-01-27. Review status: criteria provided, single submitter. Criteria: ACMG Guidelines, 2015. Collection method: clinical testing. Allele origin: germline. Affected: yes.
Comment: The variant is not observed in the gnomAD v4.1.0 dataset. Predicted Consequence/Location: Intron variant In silico tools predict the variant to alter splicing and produce an abnormal transcript [SpliceAI: 0.20 (>=0.2, moderate evidence for spliceogenicity)]. Therefore, this variant is classified as VUS according to the recommendation of ACMG/AMP guideline.